The following is an entry in ClinVar:

ClinVar aggregate classification (germline): Uncertain significance (1 of 4 stars; one submission).

Allele frequency attached by ClinVar (database versions not stated): TOPMed below 0.00001; ExAC 0.00001; gnomAD exomes 0.00001; gnomAD 0.00002.
gnomAD v4.1: 12 of 1,585,802 alleles (0.00076%); highest among the groups gnomAD compares: South Asian, 0.01%; no homozygotes.

Submission:

Labcorp Genetics (formerly Invitae), Labcorp
Classification: Uncertain significance. Last evaluated: 2022-08-22. Review status: criteria provided, single submitter. Criteria: Invitae Variant Classification Sherloc (09022015). Collection method: clinical testing. Allele origin: germline.
Comment: In summary, the available evidence is currently insufficient to determine the role of this variant in disease. Therefore, it has been classified as a Variant of Uncertain Significance. This variant has not been reported in the literature in individuals affected with POLR3F-related conditions. This variant is present in population databases (rs759357302, gnomAD 0.02%). This sequence change affects codon 180 of the POLR3F mRNA. It is a 'silent' change, meaning that it does not change the encoded amino acid sequence of the POLR3F protein.

NM_006466.4(POLR3F):c.663C>T (p.Cys221=)

Gene: POLR3F (RNA polymerase III subunit F; plus strand). Cytogenetic location: 20p11.23.
Variant type: single nucleotide variant.
Coding change: c.663C>T on transcript NM_006466.4 (MANE Select); coding-DNA position 663, C replaced by T.
Protein change: p.Cys221=; no amino-acid change (cysteine 221 retained).
Molecular consequence: synonymous variant. On other transcripts: non-coding transcript variant (1).
Genome position (GRCh38, 1-based): chr20:18,480,491, C>T. VCF-style: chr20-18480491-C-T. GRCh37 (hg19) VCF-style: chr20-18461135-C-T.
Other names: c.540C>T, p.Cys180= (NM_001282526.2); c.519C>T, p.Cys173= (NM_001410821.1).
Identifiers: ClinVar variation 2170071 (VCV002170071.4), dbSNP rs759357302, ClinGen allele CA9777575.